The following is an entry in ClinVar:

NM_004184.4(WARS1):c.1265G>C (p.Ser422Thr)

Gene: WARS1 (tryptophanyl-tRNA synthetase 1; minus strand). Cytogenetic location: 14q32.2.
Variant type: single nucleotide variant.
Coding change: c.1265G>C on transcript NM_004184.4 (MANE Select); coding-DNA position 1265, G replaced by C.
Protein change: p.Ser422Thr; replaces serine 422 with threonine.
Molecular consequence: missense variant.
Genome position (GRCh38, 1-based): chr14:100,335,026, C>G on the plus strand (G>C on the coding strand, the complement: WARS1 is on the minus strand). VCF-style: chr14-100335026-C-G. GRCh37 (hg19) VCF-style: chr14-100801363-C-G.
Other names: c.1265G>C, p.Ser422Thr (NM_173701.2); c.1142G>C, p.Ser381Thr (NM_213645.2, NM_213646.2); short protein forms S381T, S422T.
Identifiers: ClinVar variation 3637292 (VCV003637292.2).

ClinVar aggregate classification (germline): Uncertain significance (1 of 4 stars; one submission).

gnomAD v4.1: 2 of 1,613,820 alleles (0.00012%); highest among the groups gnomAD compares: Non-Finnish European, 0.00017%; no homozygotes.

Submission:

Labcorp Genetics (formerly Invitae), Labcorp
Classification: Uncertain significance. Last evaluated: 2024-04-08. Review status: criteria provided, single submitter. Criteria: Invitae Variant Classification Sherloc (09022015). Collection method: clinical testing. Allele origin: germline.
Comment: This sequence change replaces serine, which is neutral and polar, with threonine, which is neutral and polar, at codon 422 of the WARS1 protein (p.Ser422Thr). This variant is not present in population databases (gnomAD no frequency). This variant has not been reported in the literature in individuals affected with WARS1-related conditions. Advanced modeling of protein sequence and biophysical properties (such as structural, functional, and spatial information, amino acid conservation, physicochemical variation, residue mobility, and thermodynamic stability) performed at Invitae indicates that this missense variant is not expected to disrupt WARS1 protein function with a negative predictive value of 80%. In summary, the available evidence is currently insufficient to determine the role of this variant in disease. Therefore, it has been classified as a Variant of Uncertain Significance.